The following is an entry in ClinVar:

NM_001270974.2(HYDIN):c.5016del (p.Glu1673fs)

Gene: HYDIN (HYDIN axonemal central pair apparatus protein; minus strand). Cytogenetic location: 16q22.2.
Variant type: Deletion.
Coding change: c.5016del on transcript NM_001270974.2 (MANE Select); coding-DNA position 5016, one base deleted (A; older notation c.5016delA).
Protein change: p.Glu1673fs; shifts the reading frame from glutamic acid 1673.
Molecular consequence: frameshift variant.
Genome position (GRCh38, 1-based): chr16:70,974,194, T deleted on the plus strand (A on the coding strand, the reverse complement: HYDIN is on the minus strand); the first of 3 consecutive T bases (chr16:70,974,194-70,974,196); deleting any one gives the same sequence. VCF-style (leftmost placement, unchanged base first): chr16-70974193-CT-C. GRCh37 (hg19) VCF-style: chr16-71008096-CT-C.
Other names: short protein forms E1673fs.
Identifiers: ClinVar variation 5040525 (VCV005040525.1).
Genomic context (GRCh38, chr16:70,974,193, plus strand): 5'-GAAACCTGCAGGTCCGGGTGGGCCCAGCGGTGCCTTGTACCTTGATGGGCAGAATGACTT[CT>C]TTGCTTCCAACAGGAAGATTGGCCCCCTGTGGGTCAAATCTCACTTCAAATATTTCCGTT-3'

ClinVar aggregate classification (germline): Pathogenic (1 of 4 stars; one submission).

Submission:

CeGaT Center for Human Genetics Tuebingen
Classification: Pathogenic. Last evaluated: 2026-08-01. Review status: criteria provided, single submitter. Criteria: CeGaT Center For Human Genetics Tuebingen Variant Classification Criteria Version 2. Collection method: clinical testing. Allele origin: germline. Affected: yes. Observed: 1 variant allele.
Comment: HYDIN: PVS1, PM2